The following is an entry in ClinVar:

ClinVar aggregate classification (germline): Pathogenic (1 of 4 stars; one submission).

Conditions:
H syndrome. Also called: FAISALABAD HISTIOCYTOSIS; Asrar Facharzt Haque syndrome; Histiocytosis with joint contractures and sensorineural deafness; Pigmented hypertrichosis and insulin-dependent diabetes mellitus; HISTIOCYTOSIS AND LYMPHADENOPATHY WITH OR WITHOUT CUTANEOUS, CARDIAC, AND/OR ENDOCRINE FEATURES, JOINT CONTRACTURES, AND/OR DEAFNESS; HYPERPIGMENTATION, CUTANEOUS, WITH HYPERTRICHOSIS, HEPATOSPLENOMEGALY, HEART ANOMALIES, AND HYPOGONADISM WITH OR WITHOUT HEARING LOSS. Identifiers: Orphanet 168569, MedGen C1864445, MONDO:0011273, OMIM 602782.

Submission:

Labcorp Genetics (formerly Invitae), Labcorp
Classification: Pathogenic for H syndrome. Last evaluated: 2022-10-13. Review status: criteria provided, single submitter. Criteria: Invitae Variant Classification Sherloc (09022015). Collection method: clinical testing. Allele origin: germline.
Comment: This variant has not been reported in the literature in individuals affected with SLC29A3-related conditions. This sequence change creates a premature translational stop signal (p.Leu432Argfs*21) in the SLC29A3 gene. While this is not anticipated to result in nonsense mediated decay, it is expected to disrupt the last 44 amino acid(s) of the SLC29A3 protein. This variant is not present in population databases (gnomAD no frequency). This variant disrupts a region of the SLC29A3 protein in which other variant(s) (p.Gly437Arg) have been determined to be pathogenic (PMID: 18940313, 20595384, 20619369, 29041934). This suggests that this is a clinically significant region of the protein, and that variants that disrupt it are likely to be disease-causing. For these reasons, this variant has been classified as Pathogenic.

Literature cited by the submitters: PubMed 18940313; PubMed 20595384; PubMed 20619369; PubMed 29041934.

NM_018344.6(SLC29A3):c.1295del (p.Leu432fs)

Gene: SLC29A3 (solute carrier family 29 member 3; plus strand). Cytogenetic location: 10q22.1.
Variant type: Deletion.
Coding change: c.1295del on transcript NM_018344.6 (MANE Select); coding-DNA position 1295, one base deleted (T; older notation c.1295delT).
Protein change: p.Leu432fs; shifts the reading frame from leucine 432.
Molecular consequence: frameshift variant. On other transcripts: 3 prime UTR variant (1), non-coding transcript variant (2).
Genome position (GRCh38, 1-based): chr10:71,362,475, T deleted. VCF-style (leftmost placement, unchanged base first): chr10-71362474-CT-C. GRCh37 (hg19) VCF-style: chr10-73122231-CT-C.
Other names: c.*524del (NM_001174098.2); c.1061del, p.Leu354fs (NM_001363518.2); short protein forms L432fs, L354fs.
Identifiers: ClinVar variation 1993276 (VCV001993276.4), dbSNP rs2492507254, ClinGen allele CA2580081805.